The following is an entry in ClinVar:

ClinVar aggregate classification (germline): Uncertain significance. Review status: criteria provided, multiple submitters, no conflicts (2 of 4 stars). 2 submissions from 2 submitters: Uncertain significance (2). Last evaluated 2025-12-05.

Conditions:
CFAP418-related disorder. Also called: CFAP418-related condition.

Allele frequency attached by ClinVar (database versions not stated): gnomAD 0.00001; ExAC 0.00002; ESP Exome Variant Server 0.00008; 1000 Genomes Project 30x 0.00016; 1000 Genomes Project 0.00020.
gnomAD v4.1: 18 of 1,612,376 alleles (0.0011%); highest among the groups gnomAD compares: Admixed American, 0.0017%; no homozygotes.

Submissions (2):

PreventionGenetics, part of Exact Sciences
Classification: Uncertain significance for CFAP418-related condition. Last evaluated: 2025-12-05. Review status: criteria provided, single submitter. Criteria: ACMG Guidelines, 2015. Collection method: clinical testing. Allele origin: germline.
Comment: The CFAP418 c.449C>T variant is predicted to result in the amino acid substitution p.Ser150Leu. To our knowledge, this variant has not been reported in the literature. This variant is reported in 0.0035% of alleles in individuals of European (Non-Finnish) descent in gnomAD. At this time, the clinical significance of this variant is uncertain due to the absence of conclusive functional and genetic evidence.

Labcorp Genetics (formerly Invitae), Labcorp
Classification: Uncertain significance. Last evaluated: 2023-05-08. Review status: criteria provided, single submitter. Criteria: Invitae Variant Classification Sherloc (09022015). Collection method: clinical testing. Allele origin: germline.
Comment: In summary, the available evidence is currently insufficient to determine the role of this variant in disease. Therefore, it has been classified as a Variant of Uncertain Significance. Algorithms developed to predict the effect of sequence changes on RNA splicing suggest that this variant may disrupt the consensus splice site. An algorithm developed to predict the effect of missense changes on protein structure and function (PolyPhen-2) suggests that this variant is likely to be disruptive. ClinVar contains an entry for this variant (Variation ID: 1930594). This variant has not been reported in the literature in individuals affected with C8orf37-related conditions. This variant is present in population databases (rs149558233, gnomAD 0.004%). This sequence change replaces serine, which is neutral and polar, with leucine, which is neutral and non-polar, at codon 150 of the C8orf37 protein (p.Ser150Leu).

NM_177965.4(CFAP418):c.449C>T (p.Ser150Leu)

Gene: CFAP418 (cilia and flagella associated protein 418; minus strand). Cytogenetic location: 8q22.1.
Variant type: single nucleotide variant.
Coding change: c.449C>T on transcript NM_177965.4 (MANE Select); coding-DNA position 449, C replaced by T.
Protein change: p.Ser150Leu; replaces serine 150 with leucine.
Molecular consequence: missense variant. On other transcripts: intron variant (1).
Genome position (GRCh38, 1-based): chr8:95,252,209, G>A on the plus strand (C>T on the coding strand, the complement: CFAP418 is on the minus strand). VCF-style: chr8-95252209-G-A. GRCh37 (hg19) VCF-style: chr8-96264437-G-A.
Other names: c.449C>T (NM_177965.3); c.375-4439C>T (NM_001363260.1); short protein forms S150L.
Identifiers: ClinVar variation 1930594 (VCV001930594.6), dbSNP rs149558233, ClinGen allele CA4815139.